The following is an entry in ClinVar:

ClinVar aggregate classification (germline): Pathogenic (1 of 4 stars; one submission).

Conditions:
Niemann-Pick disease, type C1. Also called: NEUROVISCERAL STORAGE DISEASE WITH VERTICAL SUPRANUCLEAR OPHTHALMOPLEGIA; NIEMANN-PICK DISEASE WITH CHOLESTEROL ESTERIFICATION BLOCK; NIEMANN-PICK DISEASE WITHOUT SPHINGOMYELINASE DEFICIENCY; NIEMANN-PICK DISEASE, CHRONIC NEURONOPATHIC FORM; NIEMANN-PICK DISEASE, VARIANT TYPE C1. Identifiers: Orphanet 646, MedGen C3179455, MONDO:0009757, OMIM 257220.

Submission:

Myriad Genetics, Inc.
Classification: Pathogenic for Niemann-Pick disease, type C1. Last evaluated: 2025-12-10. Review status: criteria provided, single submitter. Criteria: Myriad Autosomal Dominant, Autosomal Recessive and X-Linked Classification Criteria (2023). Collection method: clinical testing. Allele origin: unknown.
Comment: NM_000271.4(NPC1):c.681T>A(C227*) is a nonsense variant classified as pathogenic in the context of Niemann-Pick disease type C1. C227* has been observed in a case with relevant disease (PMID: 32138288). Relevant functional assessments of this variant are not available in the literature. C227* has not been observed in referenced population frequency databases. In summary, NM_000271.4(NPC1):c.681T>A(C227*) is a nonsense variant in a gene where loss of function is a known mechanism of disease, is predicted to disrupt protein function, and has been observed more frequently in cases with the relevant disease than in healthy populations. Please note: this variant was assessed in the context of healthy population screening.

Literature cited by the submitters: PubMed 32138288.

NM_000271.5(NPC1):c.681T>A (p.Cys227Ter)

Gene: NPC1 (NPC intracellular cholesterol transporter 1; minus strand). Cytogenetic location: 18q11.2.
Variant type: single nucleotide variant.
Coding change: c.681T>A on transcript NM_000271.5 (MANE Select); coding-DNA position 681, T replaced by A.
Protein change: p.Cys227Ter; replaces cysteine 227 with a stop codon.
Molecular consequence: nonsense.
Genome position (GRCh38, 1-based): chr18:23,560,431, A>T on the plus strand (T>A on the coding strand, the complement: NPC1 is on the minus strand). VCF-style: chr18-23560431-A-T. GRCh37 (hg19) VCF-style: chr18-21140395-A-T.
Other names: short protein forms C227*.
Identifiers: ClinVar variation 983762 (VCV000983762.4), dbSNP rs2059021939, ClinGen allele CA401781353.